The following is an entry in ClinVar:

NM_000531.6(OTC):c.609C>T (p.Ser203=)

Gene: OTC (ornithine transcarbamylase; plus strand). Cytogenetic location: Xp11.4.
Variant type: single nucleotide variant.
Coding change: c.609C>T on transcript NM_000531.6 (MANE Select); coding-DNA position 609, C replaced by T.
Protein change: p.Ser203=; no amino-acid change (serine 203 retained).
Molecular consequence: synonymous variant.
Genome position (GRCh38, 1-based): chrX:38,403,686, C>T. VCF-style: chrX-38403686-C-T. GRCh37 (hg19) VCF-style: chrX-38262939-C-T.
Identifiers: ClinVar variation 794111 (VCV000794111.18), dbSNP rs1354432045, ClinGen allele CA515650679.

ClinVar aggregate classification (germline): Likely benign. Review status: criteria provided, multiple submitters, no conflicts (2 of 4 stars). 3 submissions from 3 submitters: Likely benign (3). Last evaluated 2025-08-17.

Conditions:
Ornithine carbamoyltransferase deficiency (OTCD). Also called: OTC DEFICIENCY; Ornithine Carbamoyltransferase Deficiency Disease; ORNITHINE TRANSCARBAMYLASE DEFICIENCY; ORNITHINE TRANSCARBAMYLASE DEFICIENCY, HYPERAMMONEMIA DUE TO. Identifiers: Orphanet 664, MedGen C0268542, MONDO:0010703, OMIM 311250.

Allele frequency attached by ClinVar (database versions not stated): gnomAD exomes below 0.00001 and 0.00001.
gnomAD v4.1: 2 of 1,209,087 alleles (0.00017%); highest among the groups gnomAD compares: South Asian, 0.0018%; no homozygotes.

Submissions (3):

Labcorp Genetics (formerly Invitae), Labcorp
Classification: Likely benign for Ornithine carbamoyltransferase deficiency. Last evaluated: 2025-08-17. Review status: criteria provided, single submitter. Criteria: Invitae Variant Classification Sherloc (09022015). Collection method: clinical testing. Allele origin: germline.

CeGaT Center for Human Genetics Tuebingen
Classification: Likely benign. Last evaluated: 2025-06-01. Review status: criteria provided, single submitter. Criteria: CeGaT Center For Human Genetics Tuebingen Variant Classification Criteria Version 2. Collection method: clinical testing. Allele origin: germline. Affected: yes. Observed: 1 variant allele.
Comment: OTC: BP4, BP7

All of Us Research Program, National Institutes of Health
Classification: Likely benign for Ornithine carbamoyltransferase deficiency. Last evaluated: 2023-11-20. Review status: criteria provided, single submitter. Criteria: ACMG Guidelines, 2015. Collection method: clinical testing. Allele origin: germline. Inheritance: X-linked inheritance. Observed: 2 variant alleles, 2 heterozygotes.
Comment: This study involves interpretation of variants in research participants for the purpose of population health screening. Participant phenotype was not available at the time of variant classification. Additional details can be found in publication PMID: 35346344, PMCID: PMC8962531